The following is an entry in ClinVar:

ClinVar aggregate classification (germline): Conflicting classifications of pathogenicity. Review status: criteria provided, conflicting classifications (1 of 4 stars). 2 submissions from 2 submitters: Uncertain significance (1); Likely benign (1). Last evaluated 2023-07-03.

Conditions:
Hereditary cancer-predisposing syndrome. Also called: Neoplastic Syndromes, Hereditary; Tumor predisposition; Hereditary Cancer Syndrome; Hereditary neoplastic syndrome. Identifiers: Orphanet 140162, MedGen C0027672, MeSH D009386, MONDO:0015356.

Submissions (2):

Labcorp Genetics (formerly Invitae), Labcorp
Classification: Uncertain significance. Last evaluated: 2023-07-03. Review status: criteria provided, single submitter. Criteria: Invitae Variant Classification Sherloc (09022015). Collection method: clinical testing. Allele origin: germline.
Comment: This variant has not been reported in the literature in individuals affected with NTHL1-related conditions. In summary, the available evidence is currently insufficient to determine the role of this variant in disease. Therefore, it has been classified as a Variant of Uncertain Significance. Algorithms developed to predict the effect of missense changes on protein structure and function output the following: SIFT: "Not Available"; PolyPhen-2: "Benign"; Align-GVGD: "Not Available". The arginine amino acid residue is found in multiple mammalian species, which suggests that this missense change does not adversely affect protein function. ClinVar contains an entry for this variant (Variation ID: 1765732). This variant is not present in population databases (gnomAD no frequency). This sequence change replaces glutamine, which is neutral and polar, with arginine, which is basic and polar, at codon 303 of the NTHL1 protein (p.Gln303Arg).

Ambry Genetics
Classification: Likely benign for Hereditary cancer-predisposing syndrome. Last evaluated: 2022-07-02. Review status: criteria provided, single submitter. Criteria: Ambry Variant Classification Scheme 2023. Collection method: clinical testing. Allele origin: germline.

NM_002528.7(NTHL1):c.884A>G (p.Gln295Arg)

Gene: NTHL1 (nth like DNA glycosylase 1; minus strand). Cytogenetic location: 16p13.3.
Variant type: single nucleotide variant.
Coding change: c.884A>G on transcript NM_002528.7 (MANE Select); coding-DNA position 884, A replaced by G.
Protein change: p.Gln295Arg; replaces glutamine 295 with arginine.
Molecular consequence: missense variant.
Genome position (GRCh38, 1-based): chr16:2,039,955, T>C on the plus strand (A>G on the coding strand, the complement: NTHL1 is on the minus strand). VCF-style: chr16-2039955-T-C. GRCh37 (hg19) VCF-style: chr16-2089956-T-C.
Other names: c.713A>G, p.Gln238Arg (NM_001318193.2); c.554A>G, p.Gln185Arg (NM_001318194.2); short protein forms Q295R, Q185R, Q238R.
Identifiers: ClinVar variation 1765732 (VCV001765732.5), dbSNP rs2084236461, ClinGen allele CA394287069.